The following is an entry in ClinVar:

NM_173689.7(CRB2):c.1140T>A (p.Tyr380Ter)

Gene: CRB2 (crumbs cell polarity complex component 2; plus strand). Cytogenetic location: 9q33.3.
Variant type: single nucleotide variant.
Coding change: c.1140T>A on transcript NM_173689.7 (MANE Select); coding-DNA position 1140, T replaced by A.
Protein change: p.Tyr380Ter; replaces tyrosine 380 with a stop codon.
Molecular consequence: nonsense. On other transcripts: non-coding transcript variant (1).
Genome position (GRCh38, 1-based): chr9:123,370,193, T>A. VCF-style: chr9-123370193-T-A. GRCh37 (hg19) VCF-style: chr9-126132472-T-A.
Other names: short protein forms Y380*.
Identifiers: ClinVar variation 4812235 (VCV004812235.1).

ClinVar aggregate classification (germline): Pathogenic (1 of 4 stars; one submission).

gnomAD v4.1: 1 of 1,613,046 alleles (0.000062%); no homozygotes.

Submission:

Labcorp Genetics (formerly Invitae), Labcorp
Classification: Pathogenic. Last evaluated: 2025-06-14. Review status: criteria provided, single submitter. Criteria: Invitae Variant Classification Sherloc (09022015). Collection method: clinical testing. Allele origin: germline.
Comment: This sequence change creates a premature translational stop signal (p.Tyr380*) in the CRB2 gene. It is expected to result in an absent or disrupted protein product. Loss-of-function variants in CRB2 are known to be pathogenic (PMID: 27942854, 30212996). This variant is not present in population databases (gnomAD no frequency). This variant has not been reported in the literature in individuals affected with CRB2-related conditions. For these reasons, this variant has been classified as Pathogenic.

Literature cited by the submitters: PubMed 27942854; PubMed 30212996.